The following is an entry in ClinVar:

ClinVar aggregate classification (germline): Uncertain significance. Review status: criteria provided, multiple submitters, no conflicts (2 of 4 stars). 5 submissions from 4 submitters: Uncertain significance (5). Last evaluated 2026-08-12.

Conditions:
Autosomal dominant nonsyndromic hearing loss 10. Identifiers: Orphanet 90635, MedGen C1832476, MONDO:0011031, OMIM 601316.
Dilated cardiomyopathy 1J (CMD1J). Also called: CARDIOMYOPATHY, DILATED, WITH SENSORINEURAL HEARING LOSS, AUTOSOMAL DOMINANT. Identifiers: Orphanet 217622, MedGen C1854368, MONDO:0011541, OMIM 605362.
EYA4-related disorder. Also called: EYA4-related disorders; EYA4-related condition. Identifiers: MedGen CN239388.

Allele frequency attached by ClinVar (database versions not stated): TOPMed 0.00001; gnomAD exomes 0.00002 and 0.00001; gnomAD 0.00003.
gnomAD v4.1: 11 of 1,612,768 alleles (0.00068%); highest among the groups gnomAD compares: Admixed American, 0.01%; no homozygotes.

Submissions (5):

PreventionGenetics, part of Exact Sciences
Classification: Uncertain significance for EYA4-related condition. Last evaluated: 2026-08-12. Review status: criteria provided, single submitter. Criteria: ACMG Guidelines, 2015. Collection method: clinical testing. Allele origin: germline.
Comment: The EYA4 c.975A>G variant is not predicted to result in an amino acid change (p.=). This variant is predicted to alter splicing based on available splicing prediction software (SpliceAI, Jaganathan et al. 2019. PubMed ID: 30661751). However, the use of computer prediction software is not equivalent to functional evidence. This variant is intronic in an alternative transcript NM_004100:c.970+5A>G. To our knowledge, this variant has not been reported in the literature. This variant is reported in 0.014% of alleles in individuals of Latino descent in gnomAD. At this time, the clinical significance of this variant is uncertain due to the absence of conclusive functional and genetic evidence.

GeneDx
Classification: Uncertain significance. Last evaluated: 2026-04-06. Review status: criteria provided, single submitter. Criteria: GeneDx Variant Classification Process June 2021. Collection method: clinical testing. Allele origin: germline.
Comment: In silico analysis indicates that this variant does not alter splicing; Has not been previously published as pathogenic or benign to our knowledge

Labcorp Genetics (formerly Invitae), Labcorp
Classification: Uncertain significance for Dilated cardiomyopathy 1J. Last evaluated: 2025-09-01. Review status: criteria provided, single submitter. Criteria: Invitae Variant Classification Sherloc (09022015). Collection method: clinical testing. Allele origin: germline.
Comment: This sequence change falls in intron 11 of the EYA4 gene. It does not directly change the encoded amino acid sequence of the EYA4 protein. It affects a nucleotide within the consensus splice site. This variant is present in population databases (no rsID available, gnomAD 0.01%). This variant has not been reported in the literature in individuals affected with EYA4-related conditions. ClinVar contains an entry for this variant (Variation ID: 355445). Variants that disrupt the consensus splice site are a relatively common cause of aberrant splicing (PMID: 17576681, 9536098). Algorithms developed to predict the effect of sequence changes on RNA splicing suggest that this variant is not likely to affect RNA splicing. In summary, the available evidence is currently insufficient to determine the role of this variant in disease. Therefore, it has been classified as a Variant of Uncertain Significance.

Illumina Laboratory Services, Illumina
Classification: Uncertain significance for Dilated cardiomyopathy 1J. Last evaluated: 2018-01-12. Review status: criteria provided, single submitter. Criteria: ICSL Variant Classification Criteria 13 December 2019. Collection method: clinical testing. Allele origin: germline.

Illumina Laboratory Services, Illumina
Classification: Uncertain significance for Autosomal dominant nonsyndromic hearing loss 10. Last evaluated: 2018-01-12. Review status: criteria provided, single submitter. Criteria: ICSL Variant Classification Criteria 13 December 2019. Collection method: clinical testing. Allele origin: germline.

Literature cited by the submitters: PubMed 17576681 (cited by Labcorp Genetics (formerly Invitae), Labcorp); PubMed 9536098 (cited by Labcorp Genetics (formerly Invitae), Labcorp).

NM_004100.5(EYA4):c.970+5A>G

Gene: EYA4 (EYA transcriptional coactivator and phosphatase 4; plus strand). Cytogenetic location: 6q23.2.
Variant type: single nucleotide variant.
Coding change: c.970+5A>G on transcript NM_004100.5 (MANE Select); 5 bases into the intron after coding-DNA position 970, A replaced by G.
Molecular consequence: intron variant. On other transcripts: synonymous variant (2).
Genome position (GRCh38, 1-based): chr6:133,468,736, A>G. VCF-style: chr6-133468736-A-G. GRCh37 (hg19) VCF-style: chr6-133789874-A-G.
Other names: c.975A>G (NM_001301013.1); c.975A>G, p.Thr325= (NM_001301013.2); c.813A>G, p.Thr271= (NM_001370459.1); c.970+5A>G (NM_172105.4); c.901+5A>G (NM_001370458.1, NM_172103.4); c.808+5A>G (NM_001301012.2).
Identifiers: ClinVar variation 355445 (VCV000355445.12), dbSNP rs886061089, ClinGen allele CA10625991.